The following is an entry in ClinVar:

ClinVar aggregate classification (germline): Conflicting classifications of pathogenicity. Review status: criteria provided, conflicting classifications (1 of 4 stars). 4 submissions from 4 submitters: Uncertain significance (2); Likely benign (1). 1 of the submissions does not count toward it. Last evaluated 2026-08-20.

Conditions:
Hereditary cancer-predisposing syndrome. Also called: Neoplastic Syndromes, Hereditary; Hereditary neoplastic syndrome; Hereditary Cancer Syndrome; Tumor predisposition. Identifiers: Orphanet 140162, MedGen C0027672, MeSH D009386, MONDO:0015356.
Breast-ovarian cancer, familial, susceptibility to, 1 (BROVCA1). Also called: BRCA1 Hereditary Breast and Ovarian Cancer; OVARIAN CANCER, SUSCEPTIBILITY TO. Identifiers: Orphanet 145, MedGen C2676676, MONDO:0011450, OMIM 604370. Disease mechanism: loss of function.
Hereditary breast ovarian cancer syndrome. Also called: BRCA1- and BRCA2-Associated Hereditary Breast and Ovarian Cancer; Hereditary breast and ovarian cancer syndrome (HBOC); Hereditary breast and ovarian cancer syndrome; Hereditary breast and/or ovarian cancer syndrome; Breast and ovarian cancer; Hereditary breast and ovarian cancer. Identifiers: Orphanet 145, MedGen C0677776, MeSH D061325, MONDO:0003582. Disease mechanism: loss of function.

Allele frequency attached by ClinVar (database versions not stated): gnomAD exomes below 0.00001.
gnomAD v4.1: 2 of 1,614,078 alleles (0.00012%); highest among the groups gnomAD compares: Non-Finnish European, 0.00017%; no homozygotes.

Submissions (4):

Ambry Genetics
Classification: Uncertain significance for Hereditary cancer-predisposing syndrome. Last evaluated: 2026-08-20. Review status: criteria provided, single submitter. Criteria: Ambry Variant Classification Scheme 2023. Collection method: clinical testing. Allele origin: germline.
Comment: The p.E489K variant (also known as c.1465G>A), located in coding exon 9 of the BRCA1 gene, results from a G to A substitution at nucleotide position 1465. The glutamic acid at codon 489 is replaced by lysine, an amino acid with similar properties. This amino acid position is not well conserved in available vertebrate species. In addition, the in silico prediction for this alteration is inconclusive. Based on the available evidence, the clinical significance of this variant remains unclear.

University of Washington Department of Laboratory Medicine, University of Washington
Classification: Likely benign for Hereditary cancer-predisposing syndrome. Last evaluated: 2023-03-23. Review status: criteria provided, single submitter. Criteria: Dines et al. (Genet Med. 2020). Collection method: curation. Allele origin: germline.
Comment: Missense variant in a coldspot region where missense variants are very unlikely to be pathogenic (PMID:31911673).

BRCA1 coldspot (exon 11 using historical exon numbering). Reclassification based on statistical prior probability

Labcorp Genetics (formerly Invitae), Labcorp
Classification: Uncertain significance for Hereditary breast ovarian cancer syndrome. Last evaluated: 2020-01-29. Review status: criteria provided, single submitter. Criteria: Invitae Variant Classification Sherloc (09022015). Collection method: clinical testing. Allele origin: germline.
Comment: In summary, the available evidence is currently insufficient to determine the role of this variant in disease. Therefore, it has been classified as a Variant of Uncertain Significance. Algorithms developed to predict the effect of missense changes on protein structure and function are either unavailable or do not agree on the potential impact of this missense change (SIFT: "Deleterious"; PolyPhen-2: "Possibly Damaging"; Align-GVGD: "Class C0"). This variant has been observed in individual(s) with breast and/or ovarian cancer (PMID: 30702160). ClinVar contains an entry for this variant (Variation ID: 54261). This variant is not present in population databases (ExAC no frequency). This sequence change replaces glutamic acid with lysine at codon 489 of the BRCA1 protein (p.Glu489Lys). The glutamic acid residue is highly conserved and there is a small physicochemical difference between glutamic acid and lysine.

Breast Cancer Information Core (BIC) (BRCA1)
Classification: Uncertain significance for Breast-ovarian cancer, familial 1. Last evaluated: 2004-11-25. Review status: no assertion criteria provided. Collection method: clinical testing. Allele origin: germline. Affected: yes. Observed: 1 variant allele. Not counted in ClinVar's aggregate classification.

Literature cited by the submitters: PubMed 30702160 (cited by Labcorp Genetics (formerly Invitae), Labcorp).

NM_007294.4(BRCA1):c.1465G>A (p.Glu489Lys)

Gene: BRCA1 (BRCA1 DNA repair associated; minus strand). Cytogenetic location: 17q21.31.
Variant type: single nucleotide variant.
Coding change: c.1465G>A on transcript NM_007294.4 (MANE Select); coding-DNA position 1465, G replaced by A.
Protein change: p.Glu489Lys; replaces glutamic acid 489 with lysine.
Molecular consequence: missense variant. On other transcripts: intron variant (137).
Genome position (GRCh38, 1-based): chr17:43,094,066, C>T on the plus strand (G>A on the coding strand, the complement: BRCA1 is on the minus strand). VCF-style: chr17-43094066-C-T. GRCh37 (hg19) VCF-style: chr17-41246083-C-T.
Other names: c.1465G>A, p.Glu489Lys (NM_001407684.1, NM_001407854.1, NM_007300.4 and 30 more transcripts); c.1339G>A, p.Glu447Lys (NM_001407685.1, NM_001407940.1, NM_001407941.1 and 11 more transcripts); c.1324G>A, p.Glu442Lys (NM_001407697.1, NM_001407698.1, NM_001407724.1 and 29 more transcripts); c.1321G>A, p.Glu441Lys (NM_001407741.1, NM_001407742.1, NM_001407743.1 and 20 more transcripts); c.1252G>A, p.Glu418Lys (NM_001407853.1, NM_001407894.1, NM_001407895.1 and 9 more transcripts); c.1255G>A, p.Glu419Lys (NM_001407882.1, NM_001407884.1, NM_001407885.1 and 13 more transcripts); c.1342G>A, p.Glu448Lys (NM_001407919.1, NM_001407937.1, NM_001407938.1 and 19 more transcripts); c.1201G>A, p.Glu401Lys (NM_001407920.1, NM_001407921.1, NM_001407922.1 and 9 more transcripts); and 40 more; short protein forms E489K, E442K, E361K, E362K, E378K, E421K, E441K, E463K.
Identifiers: ClinVar variation 54261 (VCV000054261.15), dbSNP rs80357167, ClinGen allele CA000983.
Genomic context (GRCh38, chr17:43,094,066, plus strand): 5'-TAGGTCTCCTTTTACGCTTTAATTTATTTGTGAGGGGACGCTCTTGTATTATCTGTGGCT[C>T]AGTAACAAATGCTCCTATAATTAGATTTTCAGTTACATGGCTTAAGTTGGGGAGGCTTGC-3'
Protein context (NP_009225.1, residues 479-499): ENLIIGAFVT[Glu489Lys]PQIIQERPLT